The following is an entry in ClinVar:

NM_003482.4(KMT2D):c.15341A>C (p.His5114Pro)

Gene: KMT2D (lysine methyltransferase 2D; minus strand). Cytogenetic location: 12q13.12.
Variant type: single nucleotide variant.
Coding change: c.15341A>C on transcript NM_003482.4 (MANE Select); coding-DNA position 15341, A replaced by C.
Protein change: p.His5114Pro; replaces histidine 5114 with proline.
Molecular consequence: missense variant.
Genome position (GRCh38, 1-based): chr12:49,026,625, T>G on the plus strand (A>C on the coding strand, the complement: KMT2D is on the minus strand). VCF-style: chr12-49026625-T-G. GRCh37 (hg19) VCF-style: chr12-49420408-T-G.
Other names: short protein forms H5114P.
Identifiers: ClinVar variation 625968 (VCV000625968.3), dbSNP rs1565759674, ClinGen allele CA384688593.

ClinVar aggregate classification (germline): Conflicting classifications of pathogenicity. Review status: criteria provided, conflicting classifications (1 of 4 stars). 2 submissions from 1 submitter: Likely pathogenic (1); Uncertain significance (1). Last evaluated 2018-09-12.

Conditions:
Kabuki syndrome 1 (KABUK1). Also called: KMT2D-Related Kabuki Syndrome. Identifiers: Orphanet 2322, MedGen CN030661, MONDO:0007843, OMIM 147920.
Choanal atresia-athelia-hypothyroidism-delayed puberty-short stature syndrome (BCAHH). Also called: BRANCHIAL ARCH ABNORMALITIES, CHOANAL ATRESIA, ATHELIA, HEARING LOSS, AND HYPOTHYROIDISM SYNDROME. Identifiers: Orphanet 589856, MedGen C5680310, MONDO:0035651, OMIM 620186.

Submissions (2):

Center for Genomics, Ann and Robert H. Lurie Children's Hospital of Chicago
Classification: Uncertain significance for Kabuki syndrome 1. Last evaluated: 2018-09-12. Review status: criteria provided, single submitter. Criteria: ACMG Guidelines, 2015. Collection method: clinical testing. Allele origin: germline.
Comment: KMT2D NM_003482.3 exon 48 p.His5114Pro (c.15341A>C): This variant has not been reported in the literature and is not present in large control databases. Evolutionary conservation and computational predictive tools suggest that this variant may impact the protein. In summary, data on this variant is insufficient for disease classification. Therefore, the clinical significance of this variant is uncertain.

Center for Genomics, Ann and Robert H. Lurie Children's Hospital of Chicago
Classification: Likely pathogenic for Choanal atresia-athelia-hypothyroidism-delayed puberty-short stature syndrome; Kabuki syndrome 1. Review status: criteria provided, single submitter. Criteria: ACMG Guidelines, 2015. Collection method: clinical testing. Allele origin: germline.
Comment: This variant is not present in large control databases. Evolutionary conservation and computational predictive tools suggest that this variant may impact the protein. In summary, data on this variant is highly suspicious for disease, but requires further evidence for pathogenicity. Therefore, this variant is classified as likely pathogenic.